The following is an entry in ClinVar:

ClinVar aggregate classification (germline): Conflicting classifications of pathogenicity. Review status: criteria provided, conflicting classifications (1 of 4 stars). 5 submissions from 5 submitters: Uncertain significance (1); Likely benign (4). Last evaluated 2025-06-17.

Conditions:
Aortic aneurysm, familial thoracic 4 (AAT4). Also called: AORTIC ANEURYSM/AORTIC DISSECTION AND PATENT DUCTUS ARTERIOSUS. Identifiers: MedGen C1851504, MONDO:0007568, OMIM 132900.
Familial thoracic aortic aneurysm and aortic dissection (TAAD). Also called: Thoracic aortic aneurysms and dissections. Identifiers: Orphanet 91387, MedGen C4707243, MONDO:0019625.

Allele frequency attached by ClinVar (database versions not stated): TOPMed 0.00002; gnomAD 0.00003; ESP Exome Variant Server 0.00008.
gnomAD v4.1: 25 of 1,613,948 alleles (0.0015%); highest among the groups gnomAD compares: South Asian, 0.0033%; no homozygotes.

Submissions (5):

Labcorp Genetics (formerly Invitae), Labcorp
Classification: Uncertain significance for Aortic aneurysm, familial thoracic 4. Last evaluated: 2025-06-17. Review status: criteria provided, single submitter. Criteria: Invitae Variant Classification Sherloc (09022015). Collection method: clinical testing. Allele origin: germline.
Comment: This sequence change falls in intron 39 of the MYH11 gene. It does not directly change the encoded amino acid sequence of the MYH11 protein. It affects a nucleotide within the consensus splice site. This variant is present in population databases (rs371348553, gnomAD 0.004%). This variant has not been reported in the literature in individuals affected with MYH11-related conditions. ClinVar contains an entry for this variant (Variation ID: 378209). Variants that disrupt the consensus splice site are a relatively common cause of aberrant splicing (PMID: 17576681, 9536098). Algorithms developed to predict the effect of sequence changes on RNA splicing suggest that this variant is not likely to affect RNA splicing. In summary, the available evidence is currently insufficient to determine the role of this variant in disease. Therefore, it has been classified as a Variant of Uncertain Significance.

Blueprint Genetics
Classification: Likely benign. Last evaluated: 2024-02-05. Review status: criteria provided, single submitter. Criteria: ACMG Guidelines, 2015. Collection method: clinical testing. Allele origin: germline.

All of Us Research Program, National Institutes of Health
Classification: Likely benign for Familial thoracic aortic aneurysm and aortic dissection. Last evaluated: 2023-05-04. Review status: criteria provided, single submitter. Criteria: ACMG Guidelines, 2015. Collection method: clinical testing. Allele origin: germline. Inheritance: Autosomal dominant inheritance. Observed: 2 variant alleles, 2 heterozygotes.
Comment: This study involves interpretation of variants in research participants for the purpose of population health screening. Participant phenotype was not available at the time of variant classification. Additional details can be found in publication PMID: 35346344, PMCID: PMC8962531

Color Diagnostics, LLC DBA Color Health
Classification: Likely benign for Familial thoracic aortic aneurysm and aortic dissection. Last evaluated: 2018-10-15. Review status: criteria provided, single submitter. Criteria: ACMG Guidelines, 2015. Collection method: clinical testing. Allele origin: germline.

GeneDx
Classification: Likely benign. Last evaluated: 2017-12-06. Review status: criteria provided, single submitter. Criteria: GeneDx Variant Classification (06012015). Collection method: clinical testing. Allele origin: germline. Affected: yes.
Comment: This variant is considered likely benign or benign based on one or more of the following criteria: it is a conservative change, it occurs at a poorly conserved position in the protein, it is predicted to be benign by multiple in silico algorithms, and/or has population frequency not consistent with disease.

Literature cited by the submitters: PubMed 17576681 (cited by Labcorp Genetics (formerly Invitae), Labcorp); PubMed 9536098 (cited by Labcorp Genetics (formerly Invitae), Labcorp).

NM_002474.3(MYH11):c.5504+6C>A

Genes: MYH11 (myosin heavy chain 11; minus strand), NDE1 (nudE neurodevelopment protein 1; plus strand). Cytogenetic location: 16p13.11.
Variant type: single nucleotide variant.
Coding change: c.5504+6C>A on transcript NM_002474.3 (MANE Select); 6 bases into the intron after coding-DNA position 5504, C replaced by A.
Molecular consequence: intron variant.
Genome position (GRCh38, 1-based): chr16:15,717,134, G>T on the plus strand (C>A on the coding strand, the complement: MYH11 is on the minus strand). VCF-style: chr16-15717134-G-T. GRCh37 (hg19) VCF-style: chr16-15810991-G-T.
Other names: c.948-7057G>T (NM_001143979.2, NM_017668.3); c.5504+6C>A (NM_022844.3); c.5525+6C>A (NM_001040114.2, NM_001040113.2).
Identifiers: ClinVar variation 378209 (VCV000378209.11), dbSNP rs371348553, ClinGen allele CA16607115.
Genomic context (GRCh38, chr16:15,717,134, plus strand): 5'-TTCACTATGACTCCTGCTGTCCATCACCCCCCTGCAAACTGGGTTCGGAACTCCACACCC[G>T]CATACCTGGCCTCCTGCTCGACCTGCTCCTCCAGCTGTGCAATCTTGGCCTCCAGCGCCG-3'